The following is an entry in ClinVar:

NM_005612.5(REST):c.2615T>G (p.Leu872Ter)

Gene: REST (RE1 silencing transcription factor; plus strand). Cytogenetic location: 4q12.
Variant type: single nucleotide variant.
Coding change: c.2615T>G on transcript NM_005612.5 (MANE Select); coding-DNA position 2615, T replaced by G.
Protein change: p.Leu872Ter; replaces leucine 872 with a stop codon.
Molecular consequence: nonsense.
Genome position (GRCh38, 1-based): chr4:56,931,473, T>G. VCF-style: chr4-56931473-T-G. GRCh37 (hg19) VCF-style: chr4-57797639-T-G.
Other names: c.2615T>G, p.Leu872Ter (NM_001193508.2, NM_001363453.3); short protein forms L872*.
Identifiers: ClinVar variation 3347323 (VCV003347323.1).

ClinVar aggregate classification (germline): Likely pathogenic (0 of 4 stars; one submission).

Conditions:
REST-related disorder. Also called: REST-related condition.

Submission:

PreventionGenetics, part of Exact Sciences
Classification: Likely pathogenic for REST-related condition. Last evaluated: 2024-07-24. Review status: no assertion criteria provided. Collection method: clinical testing. Allele origin: germline.
Comment: The REST c.2615T>G variant is predicted to result in premature protein termination (p.Leu872*). To our knowledge, this variant has not been reported in the literature or in gnomAD, indicating this variant is rare. Nonsense variants in REST are expected to be pathogenic. This variant is interpreted as likely pathogenic.